The following is an entry in ClinVar:

ClinVar aggregate classification (germline): Benign (1 of 4 stars; one submission).

Allele frequency attached by ClinVar (database versions not stated): 1000 Genomes Project 0.15595; 1000 Genomes Project 30x 0.16521; TOPMed 0.17519; gnomAD 0.18779.
gnomAD v4.1: 26,933 of 152,182 alleles (18%); highest among the groups gnomAD compares: African/African-American, 36%; 3,337 homozygotes.

Submission:

GeneDx
Classification: Benign. Last evaluated: 2018-06-16. Review status: criteria provided, single submitter. Criteria: GeneDx Variant Classification (06012015). Collection method: clinical testing. Allele origin: germline. Affected: yes.
Comment: This variant is considered likely benign or benign based on one or more of the following criteria: it is a conservative change, it occurs at a poorly conserved position in the protein, it is predicted to be benign by multiple in silico algorithms, and/or has population frequency not consistent with disease.

NM_001386795.1(DTNA):c.603+168A>G

Gene: DTNA (dystrobrevin alpha; plus strand). Cytogenetic location: 18q12.1.
Variant type: single nucleotide variant.
Coding change: c.603+168A>G on transcript NM_001386795.1 (MANE Select); 168 bases into the intron after coding-DNA position 603, A replaced by G.
Molecular consequence: intron variant.
Genome position (GRCh38, 1-based): chr18:34,812,281, A>G. VCF-style: chr18-34812281-A-G. GRCh37 (hg19) VCF-style: chr18-32392245-A-G.
Other names: c.603+168A>G (NM_032975.4, NM_001386761.1, NM_001386762.1 and 35 more transcripts).
Identifiers: ClinVar variation 672619 (VCV000672619.1), dbSNP rs59586657, ClinGen allele CA298589918.